The following is an entry in ClinVar:

NM_000019.4(ACAT1):c.163_167delinsAA (p.Phe55_Leu56delinsLys)

Gene: ACAT1 (acetyl-CoA acetyltransferase 1; plus strand). Cytogenetic location: 11q22.3.
Variant type: Indel.
Coding change: c.163_167delinsAA on transcript NM_000019.4 (MANE Select); coding-DNA positions 163 to 167, TTTTT replaced by AA.
Protein change: p.Phe55_Leu56delinsLys.
Molecular consequence: inframe indel.
Genome position (GRCh38, 1-based): chr11:108,133,862-108,133,866, TTTTT replaced by AA. VCF-style: chr11-108133862-TTTTT-AA. GRCh37 (hg19) VCF-style: chr11-108004589-TTTTT-AA.
Identifiers: ClinVar variation 666468 (VCV000666468.9), dbSNP rs1591361995, ClinGen allele CA915947686.

ClinVar aggregate classification (germline): Conflicting classifications of pathogenicity. Review status: criteria provided, conflicting classifications (1 of 4 stars). 3 submissions from 3 submitters: Likely pathogenic (1); Uncertain significance (2). Last evaluated 2024-07-11.

Conditions:
Deficiency of acetyl-CoA acetyltransferase. Also called: 3-KETOTHIOLASE DEFICIENCY; 3-OXOTHIOLASE DEFICIENCY; Beta-ketothiolase deficiency; MITOCHONDRIAL ACETOACETYL-CoA THIOLASE DEFICIENCY. Identifiers: Orphanet 134, MedGen C1536500, MONDO:0008760, OMIM 203750. Disease mechanism: loss of function.

Submissions (3):

Women's Health and Genetics/Laboratory Corporation of America, LabCorp
Classification: Uncertain significance. Last evaluated: 2024-07-11. Review status: criteria provided, single submitter. Criteria: LabCorp Variant Classification Summary - May 2015. Collection method: clinical testing. Allele origin: germline.
Comment: Variant summary: ACAT1 c.163_167delinsAA (p.Phe55_Leu56delinsLys) results in an in-frame deletion-insertion that is predicted to delete two amino acids from the protein and insert one amino acid. The variant was absent in 282874 control chromosomes. The available data on variant occurrences in the general population are insufficient to allow any conclusion about variant significance. c.163_167delinsAA has been reported in the literature in individuals affected with Alpha-Methylacetoacetic Aciduria (Fukao_2010). These data do not allow any conclusion about variant significance. To our knowledge, no experimental evidence demonstrating an impact on protein function has been reported. The following publication have been ascertained in the context of this evaluation (PMID: 20156697). ClinVar contains an entry for this variant (Variation ID: 666468). Based on the evidence outlined above, the variant was classified as uncertain significance.

Labcorp Genetics (formerly Invitae), Labcorp
Classification: Likely pathogenic for Deficiency of acetyl-CoA acetyltransferase. Last evaluated: 2023-05-20. Review status: criteria provided, single submitter. Criteria: Invitae Variant Classification Sherloc (09022015). Collection method: clinical testing. Allele origin: germline.
Comment: This variant, c.163_167delinsAA, is a complex sequence change that results in the deletion of 2 and insertion of 1 amino acid(s) in the ACAT1 protein (p.Phe55_Leu56delinsLys). Information on the frequency of this variant in the gnomAD database is not available, as this variant may be reported differently in the database. This variant has been observed in individual(s) with beta-ketothiolase deficiency (PMID: 20156697; Invitae). In at least one individual the data is consistent with being in trans (on the opposite chromosome) from a pathogenic variant. An algorithm developed to predict the effect of missense changes on protein structure and function (PolyPhen-2) suggests that this variant is likely to be tolerated. In summary, the currently available evidence indicates that the variant is pathogenic, but additional data are needed to prove that conclusively. Therefore, this variant has been classified as Likely Pathogenic.

Department of Pediatrics, Gifu University
Classification: Uncertain significance for Deficiency of acetyl-CoA acetyltransferase. Last evaluated: 2019-05-05. Review status: criteria provided, single submitter. Criteria: ACMG Guidelines, 2015. Collection method: research. Allele origin: germline. Affected: yes. Observed: 1 variant allele.

Literature cited by the submitters: PubMed 20156697 (cited by Women's Health and Genetics/Laboratory Corporation of America, LabCorp and Labcorp Genetics (formerly Invitae), Labcorp); PubMed 31268215 (cited by Department of Pediatrics, Gifu University).